The following is an entry in ClinVar:

NM_003721.4(RFXANK):c.400T>C (p.Phe134Leu)

Gene: RFXANK (regulatory factor X associated ankyrin containing protein; plus strand). Cytogenetic location: 19p13.11.
Variant type: single nucleotide variant.
Coding change: c.400T>C on transcript NM_003721.4 (MANE Select); coding-DNA position 400, T replaced by C.
Protein change: p.Phe134Leu; replaces phenylalanine 134 with leucine.
Molecular consequence: missense variant.
Genome position (GRCh38, 1-based): chr19:19,197,583, T>C. VCF-style: chr19-19197583-T-C. GRCh37 (hg19) VCF-style: chr19-19308392-T-C.
Other names: c.334T>C, p.Phe112Leu (NM_001278727.2, NM_001370234.1); c.331T>C, p.Phe111Leu (NM_001278728.2, NM_134440.3); c.400T>C, p.Phe134Leu (NM_001370233.1, NM_001370238.1); c.397T>C, p.Phe133Leu (NM_001370235.1, NM_001370236.1, NM_001370237.1); short protein forms F111L, F112L, F133L, F134L.
Identifiers: ClinVar variation 1063445 (VCV001063445.9), dbSNP rs2146488425, ClinGen allele CA404894807.
Genomic context (GRCh38, chr19:19,197,583, plus strand): 5'-GACAACCTCGTCAACAAGCCAGACGAGCGCGGCTTCACCCCCCTCATCTGGGCCTCCGCC[T>C]TTGGAGAGATTGAGACCGTTCGCTTCCTGCTGGAGTGGGTGCGTCCCAGCCCAGCTGGGC-3'
Protein context (NP_003712.1, residues 124-144): GFTPLIWASA[Phe134Leu]GEIETVRFLL

ClinVar aggregate classification (germline): Uncertain significance (1 of 4 stars; one submission).

Conditions:
MHC class II deficiency. Also called: BLS, TYPE II; Bare lymphocyte syndrome 2. Identifiers: Orphanet 572, MedGen C5447452, MONDO:0008855.

Submission:

Labcorp Genetics (formerly Invitae), Labcorp
Classification: Uncertain significance for MHC class II deficiency. Last evaluated: 2020-10-09. Review status: criteria provided, single submitter. Criteria: Invitae Variant Classification Sherloc (09022015). Collection method: clinical testing. Allele origin: germline.
Comment: In summary, the available evidence is currently insufficient to determine the role of this variant in disease. Therefore, it has been classified as a Variant of Uncertain Significance. Algorithms developed to predict the effect of missense changes on protein structure and function are either unavailable or do not agree on the potential impact of this missense change (SIFT: "Deleterious"; PolyPhen-2: "Probably Damaging"; Align-GVGD: "Class C0"). This variant has not been reported in the literature in individuals with RFXANK-related conditions. This variant is not present in population databases (ExAC no frequency). This sequence change replaces phenylalanine with leucine at codon 134 of the RFXANK protein (p.Phe134Leu). The phenylalanine residue is highly conserved and there is a small physicochemical difference between phenylalanine and leucine.